The following is an entry in ClinVar:

NM_000260.4(MYO7A):c.1133G>T (p.Arg378Leu)

Gene: MYO7A (myosin VIIA; plus strand). Cytogenetic location: 11q13.5.
Variant type: single nucleotide variant.
Coding change: c.1133G>T on transcript NM_000260.4 (MANE Select); coding-DNA position 1133, G replaced by T.
Protein change: p.Arg378Leu; replaces arginine 378 with leucine.
Molecular consequence: missense variant.
Genome position (GRCh38, 1-based): chr11:77,160,215, G>T. VCF-style: chr11-77160215-G-T. GRCh37 (hg19) VCF-style: chr11-76871261-G-T.
Other names: c.1133G>T, p.Arg378Leu (NM_001127180.2); c.1100G>T, p.Arg367Leu (NM_001369365.1); short protein forms R378L, R367L.
Identifiers: ClinVar variation 2041205 (VCV002041205.1), dbSNP rs397516282, ClinGen allele CA381934430.

ClinVar aggregate classification (germline): Uncertain significance (1 of 4 stars; one submission).

gnomAD v4.1: 2 of 1,581,594 alleles (0.00013%); highest among the groups gnomAD compares: South Asian, 0.0012%; no homozygotes.

Submission:

Labcorp Genetics (formerly Invitae), Labcorp
Classification: Uncertain significance. Last evaluated: 2022-10-20. Review status: criteria provided, single submitter. Criteria: Invitae Variant Classification Sherloc (09022015). Collection method: clinical testing. Allele origin: germline.
Comment: This sequence change replaces arginine, which is basic and polar, with leucine, which is neutral and non-polar, at codon 378 of the MYO7A protein (p.Arg378Leu). This variant is not present in population databases (gnomAD no frequency). This variant has not been reported in the literature in individuals affected with MYO7A-related conditions. Advanced modeling of protein sequence and biophysical properties (such as structural, functional, and spatial information, amino acid conservation, physicochemical variation, residue mobility, and thermodynamic stability) has been performed at Invitae for this missense variant, however the output from this modeling did not meet the statistical confidence thresholds required to predict the impact of this variant on MYO7A protein function. In summary, the available evidence is currently insufficient to determine the role of this variant in disease. Therefore, it has been classified as a Variant of Uncertain Significance.